The following is an entry in ClinVar:

ClinVar aggregate classification (germline): Benign. Review status: criteria provided, multiple submitters, no conflicts (2 of 4 stars). 2 submissions from 2 submitters: Benign (2). Last evaluated 2026-01-22.

Conditions:
Congenital lactase deficiency. Also called: ALACTASIA, CONGENITAL; DISACCHARIDE INTOLERANCE II. Identifiers: Orphanet 53690, MedGen C0268179, MONDO:0009115, OMIM 223000.

Allele frequency attached by ClinVar (database versions not stated): ESP Exome Variant Server 0.00277; gnomAD 0.00313 and 0.00399; TOPMed 0.00383; 1000 Genomes Project 30x 0.00984; 1000 Genomes Project 0.00998.
gnomAD v4.1: 6,449 of 1,614,198 alleles (0.4%); highest among the groups gnomAD compares: South Asian, 2%; 63 homozygotes.

Submissions (2):

Labcorp Genetics (formerly Invitae), Labcorp
Classification: Benign. Last evaluated: 2026-01-22. Review status: criteria provided, single submitter. Criteria: Invitae Variant Classification Sherloc (09022015). Collection method: clinical testing. Allele origin: germline.

Illumina Laboratory Services, Illumina
Classification: Benign for Congenital lactase deficiency. Last evaluated: 2018-01-12. Review status: criteria provided, single submitter. Criteria: ICSL Variant Classification Criteria 13 December 2019. Collection method: clinical testing. Allele origin: germline.
Comment: This variant was observed in the ICSL laboratory as part of a predisposition screen in an ostensibly healthy population. It had not been previously curated by ICSL or reported in the Human Gene Mutation Database (HGMD: prior to June 1st, 2018), and was therefore a candidate for classification through an automated scoring system. Utilizing variant allele frequency, disease prevalence and penetrance estimates, and inheritance mode, an automated score was calculated to assess if this variant is too frequent to cause the disease. Based on the score and internal cut-off values, a variant classified as benign is not then subjected to further curation. The score for this variant resulted in a classification of benign for this disease.

NM_002299.4(LCT):c.2763G>A (p.Ala921=)

Gene: LCT (lactase; minus strand). Cytogenetic location: 2q21.3.
Variant type: single nucleotide variant.
Coding change: c.2763G>A on transcript NM_002299.4 (MANE Select); coding-DNA position 2763, G replaced by A.
Protein change: p.Ala921=; no amino-acid change (alanine 921 retained).
Molecular consequence: synonymous variant.
Genome position (GRCh38, 1-based): chr2:135,809,584, C>T on the plus strand (G>A on the coding strand, the complement: LCT is on the minus strand). VCF-style: chr2-135809584-C-T. GRCh37 (hg19) VCF-style: chr2-136567154-C-T.
Other names: c.2763G>A (LRG_338t1).
Identifiers: ClinVar variation 331193 (VCV000331193.16), dbSNP rs116951780, ClinGen allele CA1888164.